The following is an entry in ClinVar:

NM_000900.5(MGP):c.176G>A (p.Arg59Gln)

Gene: MGP (matrix Gla protein; minus strand). Cytogenetic location: 12p12.3.
Variant type: single nucleotide variant.
Coding change: c.176G>A on transcript NM_000900.5 (MANE Select); coding-DNA position 176, G replaced by A.
Protein change: p.Arg59Gln; replaces arginine 59 with glutamine.
Molecular consequence: missense variant.
Genome position (GRCh38, 1-based): chr12:14,882,275, C>T on the plus strand (G>A on the coding strand, the complement: MGP is on the minus strand). VCF-style: chr12-14882275-C-T. GRCh37 (hg19) VCF-style: chr12-15035209-C-T.
Other names: c.251G>A, p.Arg84Gln (NM_001190839.3); short protein forms R59Q, R84Q.
Identifiers: ClinVar variation 1980288 (VCV001980288.3), dbSNP rs536440407, ClinGen allele CA6465149.

ClinVar aggregate classification (germline): Uncertain significance (1 of 4 stars; one submission).

Allele frequency attached by ClinVar (database versions not stated): gnomAD 0.00001; ExAC 0.00006; 1000 Genomes Project 30x 0.00016; 1000 Genomes Project 0.00020.
gnomAD v4.1: 31 of 1,613,884 alleles (0.0019%); highest among the groups gnomAD compares: South Asian, 0.019%; no homozygotes.

Submission:

Labcorp Genetics (formerly Invitae), Labcorp
Classification: Uncertain significance. Last evaluated: 2025-10-02. Review status: criteria provided, single submitter. Criteria: Invitae Variant Classification Sherloc (09022015). Collection method: clinical testing. Allele origin: germline.
Comment: This sequence change replaces arginine, which is basic and polar, with glutamine, which is neutral and polar, at codon 59 of the MGP protein (p.Arg59Gln). This variant is present in population databases (rs536440407, gnomAD 0.03%). This variant has not been reported in the literature in individuals affected with MGP-related conditions. ClinVar contains an entry for this variant (Variation ID: 1980288). An algorithm developed to predict the effect of missense changes on protein structure and function (PolyPhen-2) suggests that this variant is likely to be tolerated. In summary, the available evidence is currently insufficient to determine the role of this variant in disease. Therefore, it has been classified as a Variant of Uncertain Significance.